The following is an entry in ClinVar:

NM_001399.5(EDA):c.396+53496_396+53498dup

Gene: EDA (ectodysplasin A; plus strand). Cytogenetic location: Xq13.1.
Variant type: Duplication.
Coding change: c.396+53496_396+53498dup on transcript NM_001399.5 (MANE Select); bases 53496 to 53498 of the intron after coding-DNA position 396, 3 bases duplicated (TTT; older notation c.396+53496_396+53498dupTTT).
Molecular consequence: intron variant.
Genome position (GRCh38, 1-based): chrX:69,670,200-69,670,202, TTT duplicated; duplicating any 3 consecutive bases within chrX:69,670,184-69,670,202 gives the same sequence; the c. name uses the placement nearest the transcript's 3' end. VCF-style (leftmost placement, unchanged base first): chrX-69670183-G-GTTT. GRCh37 (hg19) VCF-style: chrX-68890027-G-GTTT.
Other names: c.396+53496_396+53498dup (NM_001005609.2, NM_001005612.3, NM_001005610.4); c.397-10_397-8dup (NM_001005613.4).
Identifiers: ClinVar variation 3057126 (VCV003057126.2), dbSNP rs544601085, ClinGen allele CA877696928.

ClinVar aggregate classification (germline): Likely benign (0 of 4 stars; one submission).

Conditions:
EDA-related disorder. Also called: EDA-related condition; EDA-related disorders.

Submission:

PreventionGenetics, part of Exact Sciences
Classification: Likely benign for EDA-related condition. Last evaluated: 2019-07-19. Review status: no assertion criteria provided. Collection method: clinical testing. Allele origin: germline.
Comment: This variant is classified as likely benign based on ACMG/AMP sequence variant interpretation guidelines (Richards et al. 2015 PMID: 25741868, with internal and published modifications).